The following is an entry in ClinVar:

NM_000093.5(COL5A1):c.5416A>G (p.Lys1806Glu)

Genes: COL5A1 (collagen type V alpha 1 chain; plus strand), LOC101448202 (uncharacterized LOC101448202; minus strand). Cytogenetic location: 9q34.3.
Variant type: single nucleotide variant.
Coding change: c.5416A>G on transcript NM_000093.5 (MANE Select); coding-DNA position 5416, A replaced by G.
Protein change: p.Lys1806Glu; replaces lysine 1806 with glutamic acid.
Molecular consequence: missense variant.
Genome position (GRCh38, 1-based): chr9:134,842,202, A>G. VCF-style: chr9-134842202-A-G. GRCh37 (hg19) VCF-style: chr9-137734048-A-G.
Other names: c.5416A>G, p.Lys1806Glu (NM_001278074.1); short protein forms K1806E.
Identifiers: ClinVar variation 855707 (VCV000855707.11), dbSNP rs1830127605, ClinGen allele CA375461841.

ClinVar aggregate classification (germline): Uncertain significance (1 of 4 stars; one submission).

Conditions:
Ehlers-Danlos syndrome, classic type, 1 (EDSCL1). Also called: Ehlers-Danlos syndrome, type 1; Ehlers-Danlos Syndrome, Classic Type, COL5A1-Related; EDS I; EHLERS-DANLOS SYNDROME, GRAVIS TYPE; EHLERS-DANLOS SYNDROME, SEVERE CLASSIC TYPE. Identifiers: MedGen C0268335, MONDO:0019567, OMIM 130000.

Submission:

Labcorp Genetics (formerly Invitae), Labcorp
Classification: Uncertain significance for Ehlers-Danlos syndrome, classic type, 1. Last evaluated: 2022-02-04. Review status: criteria provided, single submitter. Criteria: Invitae Variant Classification Sherloc (09022015). Collection method: clinical testing. Allele origin: germline.
Comment: ClinVar contains an entry for this variant (Variation ID: 855707). In summary, the available evidence is currently insufficient to determine the role of this variant in disease. Therefore, it has been classified as a Variant of Uncertain Significance. Advanced modeling of protein sequence and biophysical properties (such as structural, functional, and spatial information, amino acid conservation, physicochemical variation, residue mobility, and thermodynamic stability) performed at Invitae indicates that this missense variant is not expected to disrupt COL5A1 protein function. This variant has not been reported in the literature in individuals affected with COL5A1-related conditions. This variant is not present in population databases (gnomAD no frequency). This sequence change replaces lysine, which is basic and polar, with glutamic acid, which is acidic and polar, at codon 1806 of the COL5A1 protein (p.Lys1806Glu).